The following is an entry in ClinVar:

NM_000277.3(PAH):c.478C>T (p.Gln160Ter)

Gene: PAH (phenylalanine hydroxylase; minus strand). Cytogenetic location: 12q23.2.
Variant type: single nucleotide variant.
Coding change: c.478C>T on transcript NM_000277.3 (MANE Select); coding-DNA position 478, C replaced by T.
Protein change: p.Gln160Ter; replaces glutamine 160 with a stop codon.
Molecular consequence: nonsense.
Genome position (GRCh38, 1-based): chr12:102,866,627, G>A on the plus strand (C>T on the coding strand, the complement: PAH is on the minus strand). VCF-style: chr12-102866627-G-A. GRCh37 (hg19) VCF-style: chr12-103260405-G-A.
Other names: NM_001354304.1:c.478C>T; c.478C>T, p.Gln160Ter (NM_001354304.2); short protein forms Q160*.
Identifiers: ClinVar variation 2682166 (VCV002682166.3), dbSNP rs2499636931, ClinGen allele CA16020799.

ClinVar aggregate classification (germline): Pathogenic. Review status: reviewed by expert panel (3 of 4 stars). 2 submissions from 2 submitters: Pathogenic (1). 1 of the submissions does not count toward it. Last evaluated 2023-10-15.

Conditions:
Phenylketonuria (PKU). Also called: Phenylketonurias; FOLLING DISEASE; OLIGOPHRENIA PHENYLPYRUVICA; Phenylketonuria (PKU). Identifiers: Orphanet 716, MedGen C0031485, MONDO:0009861, OMIM 261600. Disease mechanism: loss of function.

Submissions (2):

ClinGen PAH Variant Curation Expert Panel
Classification: Pathogenic for Phenylketonuria. Last evaluated: 2023-10-15. Review status: reviewed by expert panel. Criteria: ClinGen PAH ACMG Specifications v1. Collection method: curation. Allele origin: germline. Inheritance: Autosomal recessive inheritance.
Comment: The c.478C>T (p.Gln160*) variant in PAH has been reported in an individual with mild hyperphenylalaninemia (BH4 deficiency excluded) in trans with a known pathogenic variant (p.R241C; PMID:26322415). This variant is absent from controls in ExAC, gnomAD, 1000 Genomes, ESP. It is a nonsense variant predicted to undergo NMD (exon 5 of 13, amino acid 160 of 453). In summary, this variant meets criteria to be classified as pathogenic for PAH. PAH-specific ACMG/AMP criteria applied: PVS1, PM2_supporting, PM3, PP4_Moderate.

Neuberg Centre For Genomic Medicine, NCGM
Classification: Likely pathogenic for Phenylketonuria. Last evaluated: 2024-02-01. Review status: criteria provided, single submitter. Criteria: ACMG Guidelines, 2015. Collection method: clinical testing. Allele origin: germline. Inheritance: Autosomal recessive inheritance. Not counted in ClinVar's aggregate classification.
Comment: The stop gained variant c.478C>T (p.Gln160Ter) in the PAH gene has not been reported previously as a pathogenic variant nor as a benign variant, to our knowledge. This variant is predicted to cause loss of normal protein function through protein truncation. Loss of function variants has been previously reported to be disease causing (Aldámiz-Echevarría et al., 2016). For these reasons, this variant has been classified as Likely Pathogenic.

Literature cited by the submitters: PubMed 26322415 (cited by ClinGen PAH Variant Curation Expert Panel).